The following is an entry in ClinVar:

ClinVar aggregate classification (germline): Uncertain significance (1 of 4 stars; one submission).

Allele frequency attached by ClinVar (database versions not stated): gnomAD exomes below 0.00001; gnomAD 0.00001.
gnomAD v4.1: 3 of 1,608,050 alleles (0.00019%); highest among the groups gnomAD compares: African/African-American, 0.0013%; no homozygotes.

Submission:

GeneDx
Classification: Uncertain significance. Last evaluated: 2022-11-28. Review status: criteria provided, single submitter. Criteria: GeneDx Variant Classification Process June 2021. Collection method: clinical testing. Allele origin: germline. Affected: yes.
Comment: In silico analysis supports that this missense variant has a deleterious effect on protein structure/function; Has not been previously published as pathogenic or benign to our knowledge

NM_004380.3(CREBBP):c.5677C>T (p.Pro1893Ser)

Gene: CREBBP (CREB binding protein; minus strand). Cytogenetic location: 16p13.3.
Variant type: single nucleotide variant.
Coding change: c.5677C>T on transcript NM_004380.3 (MANE Select); coding-DNA position 5677, C replaced by T.
Protein change: p.Pro1893Ser; replaces proline 1893 with serine.
Molecular consequence: missense variant.
Genome position (GRCh38, 1-based): chr16:3,729,370, G>A on the plus strand (C>T on the coding strand, the complement: CREBBP is on the minus strand). VCF-style: chr16-3729370-G-A. GRCh37 (hg19) VCF-style: chr16-3779371-G-A.
Other names: c.5563C>T, p.Pro1855Ser (NM_001079846.1); short protein forms P1855S, P1893S.
Identifiers: ClinVar variation 2573737 (VCV002573737.1), dbSNP rs1321075506, ClinGen allele CA394555770.